The following is an entry in ClinVar:

ClinVar aggregate classification (germline): Uncertain significance (1 of 4 stars; one submission).

Conditions:
TRIP12-related disorder. Also called: TRIP12-related condition.

Submission:

PreventionGenetics, part of Exact Sciences
Classification: Uncertain significance for TRIP12-related condition. Last evaluated: 2023-05-18. Review status: criteria provided, single submitter. Criteria: ACMG Guidelines, 2015. Collection method: clinical testing. Allele origin: germline.
Comment: The TRIP12 c.1477G>A variant is predicted to result in the amino acid substitution p.Gly493Arg. To our knowledge, this variant has not been reported in the literature or in a large population database, indicating this variant is rare. At this time, the clinical significance of this variant is uncertain due to the absence of conclusive functional and genetic evidence.

NM_001348323.3(TRIP12):c.1477G>A (p.Gly493Arg)

Gene: TRIP12 (thyroid hormone receptor interactor 12; minus strand). Cytogenetic location: 2q36.3.
Variant type: single nucleotide variant.
Coding change: c.1477G>A on transcript NM_001348323.3 (MANE Select); coding-DNA position 1477, G replaced by A.
Protein change: p.Gly493Arg; replaces glycine 493 with arginine.
Molecular consequence: missense variant.
Genome position (GRCh38, 1-based): chr2:229,818,486, C>T on the plus strand (G>A on the coding strand, the complement: TRIP12 is on the minus strand). VCF-style: chr2-229818486-C-T. GRCh37 (hg19) VCF-style: chr2-230683202-C-T.
Other names: c.1477G>A, p.Gly493Arg (NM_001284214.2, NM_001348315.2, NM_001348319.1 and 11 more transcripts); c.1351G>A, p.Gly451Arg (NM_001284215.2, NM_001348316.2, NM_001348317.1 and 2 more transcripts); c.442G>A, p.Gly148Arg (NM_001284216.2); c.1390G>A, p.Gly464Arg (NM_001348332.1); c.1333G>A, p.Gly445Arg (NM_004238.3); short protein forms G148R, G445R, G451R, G464R, G493R.
Identifiers: ClinVar variation 2633343 (VCV002633343.1), dbSNP rs2473015944, ClinGen allele CA350923578.